The following is an entry in ClinVar:

NM_018161.5(NADSYN1):c.2054G>A (p.Arg685Gln)

Gene: NADSYN1 (NAD synthetase 1; plus strand). Cytogenetic location: 11q13.4.
Variant type: single nucleotide variant.
Coding change: c.2054G>A on transcript NM_018161.5 (MANE Select); coding-DNA position 2054, G replaced by A.
Protein change: p.Arg685Gln; replaces arginine 685 with glutamine.
Molecular consequence: missense variant.
Genome position (GRCh38, 1-based): chr11:71,498,512, G>A. VCF-style: chr11-71498512-G-A. GRCh37 (hg19) VCF-style: chr11-71209558-G-A.
Other names: short protein forms R685Q.
Identifiers: ClinVar variation 3048784 (VCV003048784.2), dbSNP rs764693513, ClinGen allele CA6163754.

ClinVar aggregate classification (germline): Uncertain significance (0 of 4 stars; one submission).

Conditions:
NADSYN1-related disorder. Also called: NADSYN1-related condition.

Allele frequency attached by ClinVar (database versions not stated): gnomAD exomes 0.00001; gnomAD 0.00002; ExAC 0.00004; TOPMed 0.00004.
gnomAD v4.1: 23 of 1,613,580 alleles (0.0014%); highest among the groups gnomAD compares: Middle Eastern, 0.016%; no homozygotes.

Submission:

PreventionGenetics, part of Exact Sciences
Classification: Uncertain significance for NADSYN1-related condition. Last evaluated: 2024-01-10. Review status: no assertion criteria provided. Collection method: clinical testing. Allele origin: germline.
Comment: The NADSYN1 c.2054G>A variant is predicted to result in the amino acid substitution p.Arg685Gln. To our knowledge, this variant has not been reported in the literature. This variant is reported in 0.023% of alleles in individuals of Latino descent in gnomAD. At this time, the clinical significance of this variant is uncertain due to the absence of conclusive functional and genetic evidence.